The following is an entry in ClinVar:

ClinVar aggregate classification (germline): Pathogenic (1 of 4 stars; one submission).

gnomAD v4.1: 1 of 1,614,188 alleles (0.000062%); highest among the groups gnomAD compares: Non-Finnish European, 0.000085%; no homozygotes.

Submission:

Labcorp Genetics (formerly Invitae), Labcorp
Classification: Pathogenic. Last evaluated: 2023-07-18. Review status: criteria provided, single submitter. Criteria: Invitae Variant Classification Sherloc (09022015). Collection method: clinical testing. Allele origin: germline.
Comment: For these reasons, this variant has been classified as Pathogenic. This variant disrupts a region of the SLC12A3 protein in which other variant(s) (p.Arg1018*) have been determined to be pathogenic (PMID: 12911530, 23475471, 29942493). This suggests that this is a clinically significant region of the protein, and that variants that disrupt it are likely to be disease-causing. This variant has not been reported in the literature in individuals affected with SLC12A3-related conditions. This variant is not present in population databases (gnomAD no frequency). This sequence change creates a premature translational stop signal (p.Trp1002*) in the SLC12A3 gene. While this is not anticipated to result in nonsense mediated decay, it is expected to disrupt the last 29 amino acid(s) of the SLC12A3 protein.

Literature cited by the submitters: PubMed 12911530; PubMed 23475471; PubMed 29942493.

NM_001126108.2(SLC12A3):c.2979G>A (p.Trp993Ter)

Genes: SLC12A3 (solute carrier family 12 member 3; plus strand), LOC126862361 (CDK7 strongly-dependent group 2 enhancer GRCh37_chr16:56946332-56947531; plus strand). Cytogenetic location: 16q13.
Variant type: single nucleotide variant.
Coding change: c.2979G>A on transcript NM_001126108.2 (MANE Select); coding-DNA position 2979, G replaced by A.
Protein change: p.Trp993Ter; replaces tryptophan 993 with a stop codon.
Molecular consequence: nonsense.
Genome position (GRCh38, 1-based): chr16:56,913,318, G>A. VCF-style: chr16-56913318-G-A. GRCh37 (hg19) VCF-style: chr16-56947230-G-A.
Other names: c.3006G>A, p.Trp1002Ter (NM_000339.3); c.3003G>A, p.Trp1001Ter (NM_001126107.2); c.2976G>A, p.Trp992Ter (NM_001410896.1); short protein forms W1001*, W1002*, W993*, W992*.
Identifiers: ClinVar variation 2848950 (VCV002848950.3), dbSNP rs2543584665, ClinGen allele CA396005877.